The following is an entry in ClinVar:

NM_001034853.2(RPGR):c.2805_2906del (p.Glu936_Glu969del)

Gene: RPGR (retinitis pigmentosa GTPase regulator; minus strand). Cytogenetic location: Xp11.4.
Variant type: Deletion.
Coding change: c.2805_2906del on transcript NM_001034853.2 (MANE Select); coding-DNA positions 2805 to 2906, 102 bases deleted.
Protein change: p.Glu936_Glu969del.
Molecular consequence: inframe deletion. On other transcripts: intron variant (8).
Genome position (GRCh38, 1-based): chrX:38,286,093-38,286,194, 102 bases deleted. GRCh37 (hg19): chrX:38,145,375-38,145,476.
Other names: c.1569+4765_1569+4866del (NM_001367249.1, NM_001367250.1); c.1902+900_1902+1001del (NM_001367245.1); c.1386+4765_1386+4866del (NM_001367251.1); c.1719+900_1719+1001del (NM_001367246.1); c.1572+4765_1572+4866del (NM_001367247.1); c.1905+900_1905+1001del (NM_000328.3); c.1602+4765_1602+4866del (NM_001367248.1); c.2805_2906del102 (NM_001034853.1).
Identifiers: ClinVar variation 2152569 (VCV002152569.5), dbSNP rs1569235966, ClinGen allele CA10385233.

ClinVar aggregate classification (germline): Conflicting classifications of pathogenicity. Review status: criteria provided, conflicting classifications (1 of 4 stars). 3 submissions from 3 submitters: Uncertain significance (1); Likely benign (2). Last evaluated 2025-02-03.

Conditions:
RPGR-related disorder. Also called: RPGR-related condition.
Primary ciliary dyskinesia. Also called: Ciliary dyskinesia. Identifiers: Orphanet 244, MedGen C0008780, MONDO:0016575, HP:0012265.

Submissions (3):

PreventionGenetics, part of Exact Sciences
Classification: Likely benign for RPGR-related condition. Last evaluated: 2025-02-03. Review status: criteria provided, single submitter. Criteria: ACMG Guidelines, 2015. Collection method: clinical testing. Allele origin: germline.
Comment: This variant is classified as likely benign based on ACMG/AMP sequence variant interpretation guidelines (Richards et al. 2015 PMID: 25741868, with internal and published modifications).

Blueprint Genetics
Classification: Likely benign. Last evaluated: 2024-07-02. Review status: criteria provided, single submitter. Criteria: ACMG Guidelines, 2015. Collection method: clinical testing. Allele origin: germline.

Labcorp Genetics (formerly Invitae), Labcorp
Classification: Uncertain significance for Primary ciliary dyskinesia. Last evaluated: 2022-01-03. Review status: criteria provided, single submitter. Criteria: Invitae Variant Classification Sherloc (09022015). Collection method: clinical testing. Allele origin: germline.
Comment: In summary, the available evidence is currently insufficient to determine the role of this variant in disease. Therefore, it has been classified as a Variant of Uncertain Significance. Experimental studies and prediction algorithms are not available or were not evaluated, and the functional significance of this variant is currently unknown. This variant has not been reported in the literature in individuals affected with RPGR (ORF15)-related conditions. The frequency data for this variant in the population databases is considered unreliable, as metrics indicate poor data quality at this position in the gnomAD database. This variant, c.2805_2906del, results in the deletion of 34 amino acid(s) of the RPGR (ORF15) protein (p.Glu936_Glu969del), but otherwise preserves the integrity of the reading frame.